The following is an entry in ClinVar:

NM_005060.4(RORC):c.292C>T (p.Arg98Ter)

Gene: RORC (RAR related orphan receptor C; minus strand). Cytogenetic location: 1q21.3.
Variant type: single nucleotide variant.
Coding change: c.292C>T on transcript NM_005060.4 (MANE Select); coding-DNA position 292, C replaced by T.
Protein change: p.Arg98Ter; replaces arginine 98 with a stop codon.
Molecular consequence: nonsense.
Genome position (GRCh38, 1-based): chr1:151,816,670, G>A on the plus strand (C>T on the coding strand, the complement: RORC is on the minus strand). VCF-style: chr1-151816670-G-A. GRCh37 (hg19) VCF-style: chr1-151789146-G-A.
Other names: c.229C>T, p.Arg77Ter (NM_001001523.2); short protein forms R98*, R77*.
Identifiers: ClinVar variation 2697193 (VCV002697193.3), dbSNP rs2525630257, ClinGen allele CA342018805.

ClinVar aggregate classification (germline): Pathogenic (1 of 4 stars; one submission).

Conditions:
Autosomal recessive mendelian susceptibility to mycobacterial diseases due to complete RORgamma receptor deficiency. Also called: Immunodeficiency 42. Identifiers: Orphanet 477857, MedGen C5567647, MONDO:0014710, OMIM 616622.

Allele frequency attached by ClinVar (database versions not stated): gnomAD exomes below 0.00001.
gnomAD v4.1: 2 of 1,604,312 alleles (0.00012%); highest among the groups gnomAD compares: Middle Eastern, 0.017%; no homozygotes.

Submission:

Labcorp Genetics (formerly Invitae), Labcorp
Classification: Pathogenic for Autosomal recessive mendelian susceptibility to mycobacterial diseases due to complete RORgamma receptor deficiency. Last evaluated: 2023-11-19. Review status: criteria provided, single submitter. Criteria: Invitae Variant Classification Sherloc (09022015). Collection method: clinical testing. Allele origin: germline.
Comment: This sequence change creates a premature translational stop signal (p.Arg98*) in the RORC gene. It is expected to result in an absent or disrupted protein product. Loss-of-function variants in RORC are known to be pathogenic (PMID: 26160376). This variant is not present in population databases (gnomAD no frequency). This variant has not been reported in the literature in individuals affected with RORC-related conditions. For these reasons, this variant has been classified as Pathogenic.

Literature cited by the submitters: PubMed 26160376.